The following is an entry in ClinVar:

ClinVar aggregate classification (germline): Uncertain significance (1 of 4 stars; one submission).

Conditions:
Leukoencephalopathy with vanishing white matter 4 (VWM4). Also called: Leukoencephalopathy with vanishing white matter 4, with or without ovarian failure; EIF2B4-Related Childhood Ataxia with Central Nervous System Hypomyelination/Vanishing White Matter. Identifiers: MedGen C5830406, MONDO:0957872, OMIM 620314.

Submission:

3billion
Classification: Uncertain significance for Leukoencephalopathy with vanishing white matter 4. Last evaluated: 2025-08-18. Review status: criteria provided, single submitter. Criteria: ACMG Guidelines, 2015. Collection method: clinical testing. Allele origin: germline. Affected: yes.
Comment: The variant is not observed in the gnomAD v4.1.0 dataset. Predicted Consequence/Location: Missense variant In silico tool predictions suggest damaging effect of the variant on gene or gene product [REVEL: 0.64 (>=0.6, sensitivity 0.68 and specificity 0.92)]. Therefore, this variant is classified as VUS according to the recommendation of ACMG/AMP guideline.

NM_001034116.2(EIF2B4):c.1383T>G (p.Asp461Glu)

Genes: EIF2B4 (eukaryotic translation initiation factor 2B subunit delta; minus strand), GTF3C2-AS2 (GTF3C2 antisense RNA 2; plus strand). Cytogenetic location: 2p23.3.
Variant type: single nucleotide variant.
Coding change: c.1383T>G on transcript NM_001034116.2 (MANE Select); coding-DNA position 1383, T replaced by G.
Protein change: p.Asp461Glu; replaces aspartic acid 461 with glutamic acid.
Molecular consequence: missense variant.
Genome position (GRCh38, 1-based): chr2:27,364,589, A>C on the plus strand (T>G on the coding strand, the complement: EIF2B4 is on the minus strand). VCF-style: chr2-27364589-A-C. GRCh37 (hg19) VCF-style: chr2-27587456-A-C.
Other names: c.1446T>G, p.Asp482Glu (NM_001318965.2); c.1338T>G, p.Asp446Glu (NM_001318966.2); c.1290T>G, p.Asp430Glu (NM_001318967.2); c.798T>G, p.Asp266Glu (NM_001318968.2); c.765T>G, p.Asp255Glu (NM_001318969.2); c.1380T>G, p.Asp460Glu (NM_015636.4); c.1443T>G, p.Asp481Glu (NM_172195.4); short protein forms D255E, D266E, D430E, D446E, D460E, D461E, D481E, D482E.
Identifiers: ClinVar variation 4855900 (VCV004855900.1).